The following is an entry in ClinVar:

NM_020706.2(SCAF4):c.959+1G>T

Gene: SCAF4 (SR-related CTD associated factor 4; minus strand). Cytogenetic location: 21q22.11.
Variant type: single nucleotide variant.
Coding change: c.959+1G>T on transcript NM_020706.2 (MANE Select); the canonical splice donor site of the intron after coding-DNA position 959, G replaced by T.
Molecular consequence: splice donor variant.
Genome position (GRCh38, 1-based): chr21:31,696,568, C>A on the plus strand (G>T on the coding strand, the complement: SCAF4 is on the minus strand). VCF-style: chr21-31696568-C-A. GRCh37 (hg19) VCF-style: chr21-33068881-C-A.
Other names: c.914+1G>T (NM_001145444.1); c.959+1G>T (NM_001145445.1).
Identifiers: ClinVar variation 2634005 (VCV002634005.1), dbSNP rs2516777715, ClinGen allele CA410048583.

ClinVar aggregate classification (germline): Likely pathogenic (1 of 4 stars; one submission).

Conditions:
SCAF4-related disorder. Also called: SCAF4-related condition.

Submission:

PreventionGenetics, part of Exact Sciences
Classification: Likely pathogenic for SCAF4-related condition. Last evaluated: 2023-10-03. Review status: criteria provided, single submitter. Criteria: ACMG Guidelines, 2015. Collection method: clinical testing. Allele origin: germline.
Comment: The SCAF4 c.959+1G>T variant is predicted to disrupt the GT donor site and interfere with normal splicing. To our knowledge, this variant has not been reported in the literature or in a large population database, indicating this variant is rare. Variants that disrupt the consensus splice donor site in SCAF4 are expected to be pathogenic. This variant is interpreted as likely pathogenic.